The following is an entry in ClinVar:

ClinVar aggregate classification (germline): Uncertain significance (1 of 4 stars; one submission).

Submission:

Labcorp Genetics (formerly Invitae), Labcorp
Classification: Uncertain significance. Last evaluated: 2020-06-13. Review status: criteria provided, single submitter. Criteria: Invitae Variant Classification Sherloc (09022015). Collection method: clinical testing. Allele origin: germline.
Comment: This sequence change falls in intron 26 of the POLE gene. It does not directly change the encoded amino acid sequence of the POLE protein, but it affects a nucleotide within the consensus splice site of the intron. This variant is not present in population databases (ExAC no frequency). This variant has not been reported in the literature in individuals with POLE-related disease. ClinVar contains an entry for this variant (Variation ID: 405858). Nucleotide substitutions within the consensus splice site are a relatively common cause of aberrant splicing (PMID: 17576681, 9536098). Algorithms developed to predict the effect of sequence changes on RNA splicing suggest that this variant is not likely to affect RNA splicing, but this prediction has not been confirmed by published transcriptional studies. In summary, the available evidence is currently insufficient to determine the role of this variant in disease. Therefore, it has been classified as a Variant of Uncertain Significance.

Literature cited by the submitters: PubMed 17576681; PubMed 9536098.

NM_006231.4(POLE):c.3275+6G>T

Gene: POLE (DNA polymerase epsilon, catalytic subunit; minus strand). Cytogenetic location: 12q24.33.
Variant type: single nucleotide variant.
Coding change: c.3275+6G>T on transcript NM_006231.4 (MANE Select); 6 bases into the intron after coding-DNA position 3275, G replaced by T.
Molecular consequence: intron variant.
Genome position (GRCh38, 1-based): chr12:132,659,289, C>A on the plus strand (G>T on the coding strand, the complement: POLE is on the minus strand). VCF-style: chr12-132659289-C-A. GRCh37 (hg19) VCF-style: chr12-133235875-C-A.
Identifiers: ClinVar variation 405858 (VCV000405858.8), dbSNP rs1060500874, ClinGen allele CA16613595.